The following is an entry in ClinVar:

ClinVar aggregate classification (germline): Likely benign (1 of 4 stars; one submission).

Submission:

CeGaT Center for Human Genetics Tuebingen
Classification: Likely benign. Last evaluated: 2025-02-01. Review status: criteria provided, single submitter. Criteria: CeGaT Center For Human Genetics Tuebingen Variant Classification Criteria Version 2. Collection method: clinical testing. Allele origin: germline. Affected: yes. Observed: 1 variant allele.
Comment: LRIT1: BP4, BP7

NM_015613.3(LRIT1):c.969C>T (p.Ser323=)

Gene: LRIT1 (leucine rich repeat, Ig-like and transmembrane domains 1; minus strand). Cytogenetic location: 10q23.1.
Variant type: single nucleotide variant.
Coding change: c.969C>T on transcript NM_015613.3 (MANE Select); coding-DNA position 969, C replaced by T.
Protein change: p.Ser323=; no amino-acid change (serine 323 retained).
Molecular consequence: synonymous variant.
Genome position (GRCh38, 1-based): chr10:84,232,830, G>A on the plus strand (C>T on the coding strand, the complement: LRIT1 is on the minus strand). VCF-style: chr10-84232830-G-A. GRCh37 (hg19) VCF-style: chr10-85992586-G-A.
Identifiers: ClinVar variation 3770417 (VCV003770417.13).